The following is an entry in ClinVar:

ClinVar aggregate classification (germline): Uncertain significance (1 of 4 stars; one submission).

Conditions:
Early-infantile DEE. Also called: Early infantile epileptic encephalopathy; Early infantile epileptic encephalopathy with suppression bursts; Ohtahara syndrome. Identifiers: Orphanet 1934, MedGen C0393706, MONDO:0800491.

Submission:

Labcorp Genetics (formerly Invitae), Labcorp
Classification: Uncertain significance for Early-infantile DEE. Last evaluated: 2019-09-18. Review status: criteria provided, single submitter. Criteria: Invitae Variant Classification Sherloc (09022015). Collection method: clinical testing. Allele origin: germline.
Comment: This variant has not been reported in the literature in individuals with ARHGEF15-related conditions. In summary, the available evidence is currently insufficient to determine the role of this variant in disease. Therefore, it has been classified as a Variant of Uncertain Significance. The current clinical and genetic evidence is not sufficient to establish whether loss-of-function variants in ARHGEF15 cause disease. This variant is not present in population databases (ExAC no frequency). This sequence change creates a premature translational stop signal (p.Leu422Phefs*35) in the ARHGEF15 gene. It is expected to result in an absent or disrupted protein product.

NC_000017.11:g.8315412AG[1]

Gene: ARHGEF15 (Rho guanine nucleotide exchange factor 15; plus strand). Cytogenetic location: 17p13.1.
Variant type: Microsatellite.
Genome position: GRCh38 VCF-style: chr17-8315411-TAG-T. GRCh37 (hg19) VCF-style: chr17-8218729-TAG-T.
Identifiers: ClinVar variation 961896 (VCV000961896.9), dbSNP rs1230384228, ClinGen allele CA624870368.